The following is an entry in ClinVar:

ClinVar aggregate classification (germline): Uncertain significance (1 of 4 stars; one submission).

Conditions:
Multiple endocrine neoplasia, type 2 (MEN2). Identifiers: Orphanet 653, MedGen C4048306, MONDO:0019003. Disease mechanism: gain of function.

Submission:

Labcorp Genetics (formerly Invitae), Labcorp
Classification: Uncertain significance for Multiple endocrine neoplasia, type 2. Last evaluated: 2025-07-25. Review status: criteria provided, single submitter. Criteria: Invitae Variant Classification Sherloc (09022015). Collection method: clinical testing. Allele origin: germline.
Comment: This sequence change replaces asparagine, which is neutral and polar, with lysine, which is basic and polar, at codon 468 of the RET protein (p.Asn468Lys). This variant is not present in population databases (gnomAD no frequency). This variant has not been reported in the literature in individuals affected with RET-related conditions. An algorithm developed to predict the effect of missense changes on protein structure and function (PolyPhen-2) suggests that this variant is likely to be tolerated. In summary, the available evidence is currently insufficient to determine the role of this variant in disease. Therefore, it has been classified as a Variant of Uncertain Significance.

NM_020975.6(RET):c.1404T>G (p.Asn468Lys)

Gene: RET (ret proto-oncogene; plus strand). Cytogenetic location: 10q11.21.
Variant type: single nucleotide variant.
Coding change: c.1404T>G on transcript NM_020975.6 (MANE Select); coding-DNA position 1404, T replaced by G.
Protein change: p.Asn468Lys; replaces asparagine 468 with lysine.
Molecular consequence: missense variant. On other transcripts: intron variant (15).
Genome position (GRCh38, 1-based): chr10:43,111,347, T>G. VCF-style: chr10-43111347-T-G. GRCh37 (hg19) VCF-style: chr10-43606795-T-G.
Other names: c.1404T>G, p.Asn468Lys (NM_020630.7, NM_001406743.1, NM_001406744.1 and 4 more transcripts); c.626-752T>G (NM_001406782.1, NM_001406780.1, NM_001406779.1 and 3 more transcripts); c.497-752T>G (NM_001406786.1, NM_001406783.1); c.338-752T>G (NM_001406790.1, NM_001406788.1, NM_001406789.1 and 1 more transcripts); c.642T>G, p.Asn214Lys (NM_001355216.2); c.1275T>G, p.Asn425Lys (NM_001406761.1, NM_001406762.1, NM_001406764.1 and 1 more transcripts); c.1116T>G, p.Asn372Lys (NM_001406766.1, NM_001406767.1, NM_001406770.1); c.1008T>G, p.Asn336Lys (NM_001406769.1, NM_001406772.1); and 5 more; short protein forms N336K, N372K, N138K, N322K, N226K, N468K, N214K, N293K.
Identifiers: ClinVar variation 4764660 (VCV004764660.1).